The following is an entry in ClinVar:

NM_002439.5(MSH3):c.2641A>T (p.Asn881Tyr)

Gene: MSH3 (mutS homolog 3; plus strand). Cytogenetic location: 5q14.1.
Variant type: single nucleotide variant.
Coding change: c.2641A>T on transcript NM_002439.5 (MANE Select); coding-DNA position 2641, A replaced by T.
Protein change: p.Asn881Tyr; replaces asparagine 881 with tyrosine.
Molecular consequence: missense variant.
Genome position (GRCh38, 1-based): chr5:80,792,830, A>T. VCF-style: chr5-80792830-A-T. GRCh37 (hg19) VCF-style: chr5-80088649-A-T.
Other names: short protein forms N881Y.
Identifiers: ClinVar variation 3614856 (VCV003614856.2).
Genomic context (GRCh38, chr5:80,792,830, plus strand): 5'-AATGGAAGGCACCCTGTGATTGATGTGTTGCTGGGAGAACAGGATCAATATGTCCCAAAT[A>T]ATACAGATTTATCAGTAAGTACCTTATGCCAAAAAATAAGTCGATGATAACATCCCAAAC-3'
Protein context (NP_002430.3, residues 871-891): LGEQDQYVPN[Asn881Tyr]TDLSEDSERV

ClinVar aggregate classification (germline): Uncertain significance (1 of 4 stars; one submission).

Submission:

Labcorp Genetics (formerly Invitae), Labcorp
Classification: Uncertain significance. Last evaluated: 2024-04-07. Review status: criteria provided, single submitter. Criteria: Invitae Variant Classification Sherloc (09022015). Collection method: clinical testing. Allele origin: germline.
Comment: This sequence change replaces asparagine, which is neutral and polar, with tyrosine, which is neutral and polar, at codon 881 of the MSH3 protein (p.Asn881Tyr). This variant is not present in population databases (gnomAD no frequency). This variant has not been reported in the literature in individuals affected with MSH3-related conditions. An algorithm developed to predict the effect of missense changes on protein structure and function (PolyPhen-2) suggests that this variant is likely to be tolerated. In summary, the available evidence is currently insufficient to determine the role of this variant in disease. Therefore, it has been classified as a Variant of Uncertain Significance.